The following is an entry in ClinVar:

ClinVar aggregate classification (germline): Uncertain significance (1 of 4 stars; one submission).

Conditions:
Neurofibromatosis, type 2 (SWNV). Also called: BILATERAL ACOUSTIC NEUROFIBROMATOSIS; SCHWANNOMATOSIS, VESTIBULAR; NF2-Related Schwannomatosis. Identifiers: Orphanet 637, MedGen C0027832, MONDO:0007039, OMIM 101000. Disease mechanism: loss of function.

Submission:

Labcorp Genetics (formerly Invitae), Labcorp
Classification: Uncertain significance for Neurofibromatosis, type 2. Last evaluated: 2025-05-27. Review status: criteria provided, single submitter. Criteria: Invitae Variant Classification Sherloc (09022015). Collection method: clinical testing. Allele origin: germline.
Comment: This sequence change replaces lysine, which is basic and polar, with asparagine, which is neutral and polar, at codon 159 of the NF2 protein (p.Lys159Asn). This variant is not present in population databases (gnomAD no frequency). This variant has not been reported in the literature in individuals affected with NF2-related conditions. ClinVar contains an entry for this variant (Variation ID: 2713997). Invitae Evidence Modeling of protein sequence and biophysical properties (such as structural, functional, and spatial information, amino acid conservation, physicochemical variation, residue mobility, and thermodynamic stability) indicates that this missense variant is not expected to disrupt NF2 protein function with a negative predictive value of 80%. In summary, the available evidence is currently insufficient to determine the role of this variant in disease. Therefore, it has been classified as a Variant of Uncertain Significance.

NM_000268.4(NF2):c.477G>C (p.Lys159Asn)

Gene: NF2 (NF2, moesin-ezrin-radixin like (MERLIN) tumor suppressor; plus strand). Cytogenetic location: 22q12.2.
Variant type: single nucleotide variant.
Coding change: c.477G>C on transcript NM_000268.4 (MANE Select); coding-DNA position 477, G replaced by C.
Protein change: p.Lys159Asn; replaces lysine 159 with asparagine.
Molecular consequence: missense variant. On other transcripts: 5 prime UTR variant (1), intron variant (1).
Genome position (GRCh38, 1-based): chr22:29,654,686, G>C. VCF-style: chr22-29654686-G-C. GRCh37 (hg19) VCF-style: chr22-30050675-G-C.
Other names: c.351G>C, p.Lys117Asn (NM_001407055.1, NM_181828.3); c.363G>C, p.Lys121Asn (NM_001407056.1, NM_001407053.1); c.477G>C, p.Lys159Asn (NM_001407057.1, NM_001407059.1, NM_001407060.1 and 4 more transcripts); c.354G>C, p.Lys118Asn (NM_001407058.1, NM_001407062.1, NM_181829.3 and 1 more transcripts); c.228G>C, p.Lys76Asn (NM_001407063.1, NM_001407064.1, NM_181830.3 and 1 more transcripts); c.-164G>C (NM_001407065.1); c.246G>C, p.Lys82Asn (NM_001407067.1); c.447+12401G>C (NM_181833.3); short protein forms K118N, K159N, K117N, K76N, K121N, K82N.
Identifiers: ClinVar variation 2713997 (VCV002713997.3), dbSNP rs2146966801, ClinGen allele CA411142174.